The following is an entry in ClinVar:

NM_024608.4(NEIL1):c.733G>A (p.Gly245Arg)

Gene: NEIL1 (nei like DNA glycosylase 1; plus strand). Cytogenetic location: 15q24.2.
Variant type: single nucleotide variant.
Coding change: c.733G>A on transcript NM_024608.4 (MANE Select); coding-DNA position 733, G replaced by A.
Protein change: p.Gly245Arg; replaces glycine 245 with arginine.
Molecular consequence: missense variant. On other transcripts: non-coding transcript variant (1).
Genome position (GRCh38, 1-based): chr15:75,353,753, G>A. VCF-style: chr15-75353753-G-A. GRCh37 (hg19) VCF-style: chr15-75646094-G-A.
Other names: NC_000015.9:g.75646094G>A; c.991G>A, p.Gly331Arg (NM_001256552.1); c.427G>A, p.Gly143Arg (NM_001352520.2); short protein forms G143R, G245R, G331R.
Identifiers: ClinVar variation 3053256 (VCV003053256.3), dbSNP rs140982397, ClinGen allele CA7665686.

ClinVar aggregate classification (germline): Likely benign (0 of 4 stars; one submission).

Conditions:
NEIL1-related disorder. Also called: NEIL1-related condition.

Allele frequency attached by ClinVar (database versions not stated): ESP Exome Variant Server 0.00031; gnomAD 0.00031; 1000 Genomes Project 0.00060; TOPMed 0.00053; 1000 Genomes Project 30x 0.00062.
gnomAD v4.1: 392 of 1,614,086 alleles (0.024%); highest among the groups gnomAD compares: East Asian, 0.46%; 2 homozygotes.

Submissions (3):

PreventionGenetics, part of Exact Sciences
Classification: Likely benign for NEIL1-related condition. Last evaluated: 2023-02-21. Review status: no assertion criteria provided. Collection method: clinical testing. Allele origin: germline.
Comment: This variant is classified as likely benign based on ACMG/AMP sequence variant interpretation guidelines (Richards et al. 2015 PMID: 25741868, with internal and published modifications).

Dr. Peter K. Rogan Lab, Western University
No classification provided (evidence only). Condition: Clear cell carcinoma of kidney. Review status: no classification provided. Collection method: in vitro. Allele origin: not applicable. Functional consequence: skipped exon, retained intron. Not counted in ClinVar's aggregate classification.

Dr. Peter K. Rogan Lab, Western University
No classification provided (evidence only). Condition: Hepatocellular carcinoma. Review status: no classification provided. Collection method: in vitro. Allele origin: not applicable. Functional consequence: retained intron. Not counted in ClinVar's aggregate classification.